The following is an entry in ClinVar:

NM_000038.6(APC):c.2669T>C (p.Val890Ala)

Gene: APC (APC regulator of Wnt signaling pathway; plus strand). Cytogenetic location: 5q22.2.
Variant type: single nucleotide variant.
Coding change: c.2669T>C on transcript NM_000038.6 (MANE Select); coding-DNA position 2669, T replaced by C.
Protein change: p.Val890Ala; replaces valine 890 with alanine.
Molecular consequence: missense variant. On other transcripts: non-coding transcript variant (2).
Genome position (GRCh38, 1-based): chr5:112,838,263, T>C. VCF-style: chr5-112838263-T-C. GRCh37 (hg19) VCF-style: chr5-112173960-T-C.
Other names: c.2669T>C, p.Val890Ala (NM_001127510.3, NM_001354895.2, NM_001407450.1); c.2615T>C, p.Val872Ala (NM_001127511.3); c.2723T>C, p.Val908Ala (NM_001354896.2, NM_001407447.1, NM_001407448.1 and 1 more transcripts); c.2699T>C, p.Val900Ala (NM_001354897.2); c.2594T>C, p.Val865Ala (NM_001354898.2); c.2585T>C, p.Val862Ala (NM_001354899.2); c.2546T>C, p.Val849Ala (NM_001354900.2); c.2492T>C, p.Val831Ala (NM_001354901.2, NM_001407453.1); and 11 more; short protein forms V880A, V883A, V607A, V730A, V849A, V862A, V890A, V918A.
Identifiers: ClinVar variation 3929120 (VCV003929120.1).
Genomic context (GRCh38, chr5:112,838,263, plus strand): 5'-CAGGAACTTCTTCAAAGCGAGGTTTGCAGATCTCCACCACTGCAGCCCAGATTGCCAAAG[T>C]CATGGAAGAAGTGTCAGCCATTCATACCTCTCAGGAAGACAGAAGTTCTGGGTCTACCAC-3'
Protein context (NP_000029.2, residues 880-900): ISTTAAQIAK[Val890Ala]MEEVSAIHTS

ClinVar aggregate classification (germline): Uncertain significance (1 of 4 stars; one submission).

Conditions:
Hereditary cancer-predisposing syndrome. Also called: Hereditary Cancer Syndrome; Hereditary neoplastic syndrome; Neoplastic Syndromes, Hereditary; Tumor predisposition. Identifiers: Orphanet 140162, MedGen C0027672, MeSH D009386, MONDO:0015356.

gnomAD v4.1: 1 of 1,614,056 alleles (0.000062%); highest among the groups gnomAD compares: Non-Finnish European, 0.000085%; no homozygotes.

Submission:

Ambry Genetics
Classification: Uncertain significance for Hereditary cancer-predisposing syndrome. Last evaluated: 2025-05-02. Review status: criteria provided, single submitter. Criteria: Ambry Variant Classification Scheme 2023. Collection method: clinical testing. Allele origin: germline.
Comment: The p.V890A variant (also known as c.2669T>C), located in coding exon 15 of the APC gene, results from a T to C substitution at nucleotide position 2669. The valine at codon 890 is replaced by alanine, an amino acid with similar properties. This amino acid position is conserved. In addition, in silico predictors for this gene do not accurately predict pathogenicity. Based on the available evidence, the clinical significance of this variant remains unclear.